The following is an entry in ClinVar:

ClinVar aggregate classification (germline): Pathogenic. Review status: criteria provided, multiple submitters, no conflicts (2 of 4 stars). 4 submissions from 4 submitters: Pathogenic (2). 2 of the submissions do not count toward it. Last evaluated 2026-02-01.

Conditions:
Cohen syndrome (COH1). Also called: PEPPER SYNDROME; Cutis verticis gyrata, retinitis pigmentosa, and sensorineural deafness. Identifiers: Orphanet 193, MedGen C0265223, MONDO:0008999, OMIM 216550.

Allele frequency attached by ClinVar (database versions not stated): TOPMed below 0.00001.

Submissions (4):

Labcorp Genetics (formerly Invitae), Labcorp
Classification: Pathogenic for Cohen syndrome. Last evaluated: 2026-02-01. Review status: criteria provided, single submitter. Criteria: Invitae Variant Classification Sherloc (09022015). Collection method: clinical testing. Allele origin: germline.
Comment: This sequence change affects a donor splice site in intron 30 of the VPS13B gene. It is expected to disrupt RNA splicing. Variants that disrupt the donor or acceptor splice site typically lead to a loss of protein function (PMID: 16199547), and loss-of-function variants in VPS13B are known to be pathogenic (PMID: 15141358, 16648375, 20461111). This variant is not present in population databases (gnomAD no frequency). Disruption of this splice site has been observed in individual(s) with Cohen syndrome (PMID: 19006247, 24334764). This variant is also known as IVS30+2T>C. ClinVar contains an entry for this variant (Variation ID: 56669). Algorithms developed to predict the effect of sequence changes on RNA splicing suggest that this variant may disrupt the consensus splice site. For these reasons, this variant has been classified as Pathogenic.

Women's Health and Genetics/Laboratory Corporation of America, LabCorp
Classification: Pathogenic for Cohen syndrome. Last evaluated: 2019-11-14. Review status: criteria provided, single submitter. Criteria: LabCorp Variant Classification Summary - May 2015. Collection method: clinical testing. Allele origin: germline.
Comment: Variant summary: VPS13B c.4820+2T>C is located in a canonical splice-site and is predicted to affect mRNA splicing resulting in a significantly altered protein due to either exon skipping, shortening, or inclusion of intronic material. Several computational tools predict a significant impact on normal splicing: Three predict the variant abolishes a 5' splicing donor site. However, these predictions have yet to be confirmed by functional studies. The variant was absent in 251008 control chromosomes (gnomAD). c.4820+2T>C has been reported in the literature in individuals affected with Cohen Syndrome (CS) (Seifert_2008, El Chehadeh-Djebbar_2013). These data indicate that the variant may be associated with disease. A functional study (Duplomb_2014), suggested that Cohen syndrome is associated with major glycosylation defects, and demonstrated protein N-glycosylation alterations in a serum sample, derived from a compound heterozygous patient carrying the variant of interest. A ClinVar submission (evaluation after 2014) cites the variant as pathogenic. Based on the evidence outlined above, the variant was classified as pathogenic.

Counsyl
Classification: Pathogenic for Cohen syndrome. Last evaluated: 2017-01-24. Review status: no assertion criteria provided. Collection method: clinical testing. Allele origin: unknown. Not counted in ClinVar's aggregate classification.

Juha Muilu Group; Institute for Molecular Medicine Finland (FIMM)
Classification: Likely pathogenic for Cohen syndrome. Review status: no assertion criteria provided. Collection method: not provided. Allele origin: unknown. Not counted in ClinVar's aggregate classification.
Comment: FinDis database variant: This variant was not found or characterized by our laboratory, data were collected from public sources: see reference
ClinVar note: Converted during submission from probable-pathogenic to Likely pathogenic.

Literature cited by the submitters: PubMed 16199547 (cited by Labcorp Genetics (formerly Invitae), Labcorp); PubMed 15141358 (cited by Labcorp Genetics (formerly Invitae), Labcorp); PubMed 16648375 (cited by Labcorp Genetics (formerly Invitae), Labcorp); PubMed 20461111 (cited by Labcorp Genetics (formerly Invitae), Labcorp); PubMed 19006247 (cited by 3 submitters); PubMed 24334764 (cited by 3 submitters); PubMed 23188044 (cited by Women's Health and Genetics/Laboratory Corporation of America, LabCorp and Counsyl).

NM_152564.5(VPS13B):c.4745+2T>C

Gene: VPS13B (vacuolar protein sorting 13 homolog B; plus strand). Cytogenetic location: 8q22.2.
Variant type: single nucleotide variant.
Coding change: c.4745+2T>C on transcript NM_152564.5 (MANE Select); the canonical splice donor site of the intron after coding-DNA position 4745, T replaced by C.
Molecular consequence: splice donor variant.
Genome position (GRCh38, 1-based): chr8:99,521,012, T>C. VCF-style: chr8-99521012-T-C. GRCh37 (hg19) VCF-style: chr8-100533240-T-C.
Other names: c.4820+2T>C (NM_017890.5).
Identifiers: ClinVar variation 56669 (VCV000056669.11), dbSNP rs386834091, ClinGen allele CA264087.